The following is an entry in ClinVar:

ClinVar aggregate classification (germline): Likely benign (0 of 4 stars; one submission).

Conditions:
AURKA-related disorder. Also called: AURKA-related condition.

Allele frequency attached by ClinVar (database versions not stated): TOPMed 0.00008; ExAC 0.00012; gnomAD 0.00015; gnomAD exomes 0.00037; 1000 Genomes Project 30x 0.00078; 1000 Genomes Project 0.00100.
gnomAD v4.1: 534 of 1,587,602 alleles (0.034%); highest among the groups gnomAD compares: East Asian, 1.2%; 8 homozygotes.

Submission:

PreventionGenetics, part of Exact Sciences
Classification: Likely benign for AURKA-related condition. Last evaluated: 2019-03-18. Review status: no assertion criteria provided. Collection method: clinical testing. Allele origin: germline.
Comment: This variant is classified as likely benign based on ACMG/AMP sequence variant interpretation guidelines (Richards et al. 2015 PMID: 25741868, with internal and published modifications).

NM_198437.3(AURKA):c.320-6A>G

Gene: AURKA (aurora kinase A; minus strand). Cytogenetic location: 20q13.2.
Variant type: single nucleotide variant.
Coding change: c.320-6A>G on transcript NM_198437.3 (MANE Select); 6 bases into the intron before coding-DNA position 320, A replaced by G.
Molecular consequence: intron variant.
Genome position (GRCh38, 1-based): chr20:56,384,330, T>C on the plus strand (A>G on the coding strand, the complement: AURKA is on the minus strand). VCF-style: chr20-56384330-T-C. GRCh37 (hg19) VCF-style: chr20-54959386-T-C.
Other names: c.320-6A>G (NM_001323304.2, NM_198436.3, NM_001323305.2 and 6 more transcripts); c.422-6A>G (NM_001424418.1, NM_001424419.1, NM_001424420.1).
Identifiers: ClinVar variation 3051836 (VCV003051836.2), dbSNP rs142801740, ClinGen allele CA9917447.